The following is an entry in ClinVar:

ClinVar aggregate classification (germline): Conflicting classifications of pathogenicity. Review status: criteria provided, conflicting classifications (1 of 4 stars). 3 submissions from 3 submitters: Pathogenic (1); Likely pathogenic (1); Uncertain significance (1). Last evaluated 2025-05-20.

Conditions:
Roifman syndrome (RFMN). Also called: SPONDYLOEPIPHYSEAL DYSPLASIA, RETINAL DYSTROPHY, AND ANTIBODY DEFICIENCY. Identifiers: Orphanet 353298, MedGen C1846059, MONDO:0014722, OMIM 616651.

Allele frequency attached by ClinVar (database versions not stated): 1000 Genomes Project 30x 0.00016.
gnomAD v4.1: 9 of 693,818 alleles (0.0013%); highest among the groups gnomAD compares: East Asian, 0.0054%; no homozygotes.

Submissions (3):

Bristol Genetics Laboratory, North Bristol NHS Trust
Classification: Likely pathogenic for Roifman syndrome. Last evaluated: 2025-05-20. Review status: criteria provided, single submitter. Criteria: ACGS Guidelines, 2013. Collection method: clinical testing. Allele origin: biparental. Inheritance: Autosomal recessive inheritance. Affected: yes. Observed: 1 compound heterozygote.
Comment: Compound heterozygous with NR_023343.1:n.13C>T Variant occurring in the stem II domain known to be important for splicing and a key hotspot for Roifman syndrome variation (Merico et al., 2015, PMID: 26522830). Previously reported in trans with the n.29T>C variant in a patient with Roifman syndrome (Lionel et al., 2018, PMID: 28771251). PM1_SUP, PM2_MOD, PM3_STR

GeneDx
Classification: Pathogenic. Last evaluated: 2024-04-15. Review status: criteria provided, single submitter. Criteria: GeneDx Variant Classification Process June 2021. Collection method: clinical testing. Allele origin: germline. Affected: yes.
Comment: Located in the critical region of stem II (PMID: 26522830); Also known as n.13C>G; This variant is associated with the following publications: (PMID: 34946966, 37225827, 26522830, 28771251)

Labcorp Genetics (formerly Invitae), Labcorp
Classification: Uncertain significance. Last evaluated: 2022-06-24. Review status: criteria provided, single submitter. Criteria: Invitae Variant Classification Sherloc (09022015). Collection method: clinical testing. Allele origin: germline.
Comment: This variant occurs in the RNU4ATAC gene, which encodes an RNA molecule that does not result in a protein product. This variant is present in population databases (no rsID available, gnomAD 0.02%). This variant has been observed in individual(s) with clinical features of RNU4ATAC-related conditions (PMID: 28771251). Experimental studies and prediction algorithms are not available or were not evaluated, and the functional significance of this variant is currently unknown. This variant disrupts the n.13C nucleotide in the RNU4ATAC gene. Other variant(s) that disrupt this nucleotide have been determined to be pathogenic (PMID: 26522830, 28623346, 30455926, 32109076). This suggests that this nucleotide is clinically significant, and that variants that disrupt this position are likely to be disease-causing. In summary, the available evidence is currently insufficient to determine the role of this variant in disease. Therefore, it has been classified as a Variant of Uncertain Significance.

Literature cited by the submitters: PubMed 26522830 (cited by Bristol Genetics Laboratory, North Bristol NHS Trust and Labcorp Genetics (formerly Invitae), Labcorp); PubMed 28771251 (cited by Bristol Genetics Laboratory, North Bristol NHS Trust and Labcorp Genetics (formerly Invitae), Labcorp); PubMed 28623346 (cited by Labcorp Genetics (formerly Invitae), Labcorp); PubMed 30455926 (cited by Labcorp Genetics (formerly Invitae), Labcorp); PubMed 32109076 (cited by Labcorp Genetics (formerly Invitae), Labcorp).

NC_000002.12:g.121530892C>G

Genes: CLASP1 (cytoplasmic linker associated protein 1; minus strand), CLASP1-AS1 (CLASP1 antisense RNA 1; plus strand), RNU4ATAC (RNA, U4atac small nuclear; plus strand). Cytogenetic location: 2q14.2.
Variant type: single nucleotide variant.
Molecular consequence: intron variant (on NM_001395891.1).
Genome position: GRCh38 VCF-style: chr2-121530892-C-G. GRCh37 (hg19) VCF-style: chr2-122288468-C-G.
Other names: c.196-567G>C (NM_001142274.2, NM_015282.3, NM_001378003.1 and 5 more transcripts).
Identifiers: ClinVar variation 2151940 (VCV002151940.2), dbSNP rs559979281, ClinGen allele CA428887809.